The following is an entry in ClinVar:

ClinVar aggregate classification (germline): Uncertain significance (1 of 4 stars; one submission).

Allele frequency attached by ClinVar (database versions not stated): TOPMed 0.00002; gnomAD 0.00007 and 0.00008; gnomAD exomes 0.00008 and 0.00013; ExAC 0.00011.
gnomAD v4.1: 131 of 1,612,988 alleles (0.0081%); highest among the groups gnomAD compares: Non-Finnish European, 0.0062%; no homozygotes.

Submission:

Labcorp Genetics (formerly Invitae), Labcorp
Classification: Uncertain significance. Last evaluated: 2025-12-22. Review status: criteria provided, single submitter. Criteria: Invitae Variant Classification Sherloc (09022015). Collection method: clinical testing. Allele origin: germline.
Comment: This sequence change replaces arginine, which is basic and polar, with histidine, which is basic and polar, at codon 407 of the AEBP1 protein (p.Arg407His). This variant is present in population databases (rs769581108, gnomAD 0.07%). This variant has not been reported in the literature in individuals affected with AEBP1-related conditions. ClinVar contains an entry for this variant (Variation ID: 1345739). An algorithm developed to predict the effect of missense changes on protein structure and function (PolyPhen-2) suggests that this variant is likely to be tolerated. In summary, the available evidence is currently insufficient to determine the role of this variant in disease. Therefore, it has been classified as a Variant of Uncertain Significance.

NM_001129.5(AEBP1):c.1220G>A (p.Arg407His)

Gene: AEBP1 (AE binding protein 1; plus strand). Cytogenetic location: 7p13.
Variant type: single nucleotide variant.
Coding change: c.1220G>A on transcript NM_001129.5 (MANE Select); coding-DNA position 1220, G replaced by A.
Protein change: p.Arg407His; replaces arginine 407 with histidine.
Molecular consequence: missense variant.
Genome position (GRCh38, 1-based): chr7:44,110,084, G>A. VCF-style: chr7-44110084-G-A. GRCh37 (hg19) VCF-style: chr7-44149683-G-A.
Other names: short protein forms R407H.
Identifiers: ClinVar variation 1345739 (VCV001345739.5), dbSNP rs769581108, ClinGen allele CA4237810.